The following is an entry in ClinVar:

ClinVar aggregate classification (germline): Pathogenic (1 of 4 stars; one submission).

Submission:

Labcorp Genetics (formerly Invitae), Labcorp
Classification: Pathogenic. Last evaluated: 2024-04-25. Review status: criteria provided, single submitter. Criteria: Invitae Variant Classification Sherloc (09022015). Collection method: clinical testing. Allele origin: germline.
Comment: This sequence change creates a premature translational stop signal (p.Gln5059*) in the ADGRV1 gene. It is expected to result in an absent or disrupted protein product. Loss-of-function variants in ADGRV1 are known to be pathogenic (PMID: 19357117, 22135276, 22147658, 26226137, 30718709, 31047384, 32467589). This variant is not present in population databases (gnomAD no frequency). This variant has not been reported in the literature in individuals affected with ADGRV1-related conditions. For these reasons, this variant has been classified as Pathogenic.

Literature cited by the submitters: PubMed 19357117; PubMed 22135276; PubMed 22147658; PubMed 26226137; PubMed 30718709; PubMed 31047384; PubMed 32467589.

NM_032119.4(ADGRV1):c.15175C>T (p.Gln5059Ter)

Gene: ADGRV1 (adhesion G protein-coupled receptor V1; plus strand). Cytogenetic location: 5q14.3.
Variant type: single nucleotide variant.
Coding change: c.15175C>T on transcript NM_032119.4 (MANE Select); coding-DNA position 15175, C replaced by T.
Protein change: p.Gln5059Ter; replaces glutamine 5059 with a stop codon.
Molecular consequence: nonsense. On other transcripts: non-coding transcript variant (1).
Genome position (GRCh38, 1-based): chr5:90,810,435, C>T. VCF-style: chr5-90810435-C-T. GRCh37 (hg19) VCF-style: chr5-90106252-C-T.
Other names: short protein forms Q5059*.
Identifiers: ClinVar variation 3701361 (VCV003701361.2).
Genomic context (GRCh38, chr5:90,810,435, plus strand): 5'-AAAGTTTCTTATCAGACCACTGCAGGAAGCGCCAAGCCACTGGAAGATTTTGAGCCTGTT[C>T]AGAATGGGGAACTGTTTTTTCAAAAATTCCAAACTGAGGTTGATTTTGAAATAACCATTA-3'